The following is an entry in ClinVar:

NM_002087.4(GRN):c.784T>C (p.Ser262Pro)

Gene: GRN (granulin precursor; plus strand). Cytogenetic location: 17q21.31.
Variant type: single nucleotide variant.
Coding change: c.784T>C on transcript NM_002087.4 (MANE Select); coding-DNA position 784, T replaced by C.
Protein change: p.Ser262Pro; replaces serine 262 with proline.
Molecular consequence: missense variant.
Genome position (GRCh38, 1-based): chr17:44,351,112, T>C. VCF-style: chr17-44351112-T-C. GRCh37 (hg19) VCF-style: chr17-42428480-T-C.
Other names: short protein forms S262P.
Identifiers: ClinVar variation 2421214 (VCV002421214.7), dbSNP rs2048369666, ClinGen allele CA399764691.

ClinVar aggregate classification (germline): Uncertain significance. Review status: criteria provided, multiple submitters, no conflicts (2 of 4 stars). 2 submissions from 2 submitters: Uncertain significance (2). Last evaluated 2026-05-06.

Conditions:
Neuronal ceroid lipofuscinosis 11. Also called: GRN-Related Neuronal Ceroid-Lipofuscinosis. Identifiers: Orphanet 314629, Orphanet 79262, MedGen C3539123, MONDO:0013866, OMIM 614706.
GRN-related frontotemporal lobar degeneration with Tdp43 inclusions (FTD2). Also called: FRONTOTEMPORAL DEMENTIA WITH TDP43 INCLUSIONS, GRN-RELATED; DEMENTIA, HEREDITARY DYSPHASIC DISINHIBITION; FRONTOTEMPORAL LOBAR DEGENERATION WITH UBIQUITIN-POSITIVE INCLUSIONS; FTLD-TDP, GRN-RELATED; GRN Frontotemporal Dementia. Identifiers: Orphanet 100070, Orphanet 282, MedGen C1843792, MONDO:0011842, OMIM 607485. Disease mechanism: loss of function.
Inborn genetic diseases. Identifiers: MedGen C0950123, MeSH D030342.

Allele frequency attached by ClinVar (database versions not stated): TOPMed below 0.00001.

Submissions (2):

Ambry Genetics
Classification: Uncertain significance for Inborn genetic diseases. Last evaluated: 2026-05-06. Review status: criteria provided, single submitter. Criteria: Ambry Variant Classification Scheme 2023. Collection method: clinical testing. Allele origin: germline.

Labcorp Genetics (formerly Invitae), Labcorp
Classification: Uncertain significance for Neuronal ceroid lipofuscinosis 11; GRN-related frontotemporal lobar degeneration with Tdp43 inclusions. Last evaluated: 2024-08-04. Review status: criteria provided, single submitter. Criteria: Invitae Variant Classification Sherloc (09022015). Collection method: clinical testing. Allele origin: germline.
Comment: This sequence change replaces serine, which is neutral and polar, with proline, which is neutral and non-polar, at codon 262 of the GRN protein (p.Ser262Pro). This variant is not present in population databases (gnomAD no frequency). This variant has not been reported in the literature in individuals affected with GRN-related conditions. ClinVar contains an entry for this variant (Variation ID: 2421214). Advanced modeling of protein sequence and biophysical properties (such as structural, functional, and spatial information, amino acid conservation, physicochemical variation, residue mobility, and thermodynamic stability) performed at Invitae indicates that this missense variant is not expected to disrupt GRN protein function with a negative predictive value of 80%. In summary, the available evidence is currently insufficient to determine the role of this variant in disease. Therefore, it has been classified as a Variant of Uncertain Significance.